The following is an entry in ClinVar:

NM_005876.5(SPEG):c.7580C>G (p.Ser2527Cys)

Genes: ASIC4-AS1 (ASIC4 antisense RNA 1; minus strand), SPEG (striated muscle enriched protein kinase; plus strand). Cytogenetic location: 2q35.
Variant type: single nucleotide variant.
Coding change: c.7580C>G on transcript NM_005876.5 (MANE Select); coding-DNA position 7580, C replaced by G.
Protein change: p.Ser2527Cys; replaces serine 2527 with cysteine.
Molecular consequence: missense variant.
Genome position (GRCh38, 1-based): chr2:219,485,043, C>G. VCF-style: chr2-219485043-C-G. GRCh37 (hg19) VCF-style: chr2-220349765-C-G.
Other names: c.7580C>G (NM_005876.4); short protein forms S2527C.
Identifiers: ClinVar variation 1492230 (VCV001492230.7), dbSNP rs1300476706, ClinGen allele CA350703206.
Genomic context (GRCh38, chr2:219,485,043, plus strand): 5'-CGCACAACCAGTTGGCCGCCCAGGCCGGCGCCACCACGCCTTCCGCCGAGTCCCTGGGCT[C>G]CGAGGCCAGCGCCACGTCGGGCTCCTCAGGTGAGGAGGGGCAGGGGTAGGGCAGCAGGTG-3'
Protein context (NP_005867.3, residues 2517-2537): ATTPSAESLG[Ser2527Cys]EASATSGSSA

ClinVar aggregate classification (germline): Uncertain significance. Review status: criteria provided, multiple submitters, no conflicts (2 of 4 stars). 2 submissions from 2 submitters: Uncertain significance (2). Last evaluated 2022-08-02.

Conditions:
Inborn genetic diseases. Identifiers: MedGen C0950123, MeSH D030342.

Allele frequency attached by ClinVar (database versions not stated): gnomAD 0.00001; gnomAD exomes 0.00001 and 0.00004; TOPMed 0.00001.
gnomAD v4.1: 9 of 1,532,446 alleles (0.00059%); highest among the groups gnomAD compares: Admixed American, 0.016%; no homozygotes.

Submissions (2):

Ambry Genetics
Classification: Uncertain significance for Inborn genetic diseases. Last evaluated: 2022-08-02. Review status: criteria provided, single submitter. Criteria: Ambry Variant Classification Scheme 2023. Collection method: clinical testing. Allele origin: germline.

Labcorp Genetics (formerly Invitae), Labcorp
Classification: Uncertain significance. Last evaluated: 2022-07-25. Review status: criteria provided, single submitter. Criteria: Invitae Variant Classification Sherloc (09022015). Collection method: clinical testing. Allele origin: germline.
Comment: In summary, the available evidence is currently insufficient to determine the role of this variant in disease. Therefore, it has been classified as a Variant of Uncertain Significance. Algorithms developed to predict the effect of missense changes on protein structure and function are either unavailable or do not agree on the potential impact of this missense change (SIFT: "Deleterious"; PolyPhen-2: "Possibly Damaging"; Align-GVGD: "Class C0"). ClinVar contains an entry for this variant (Variation ID: 1492230). This variant has not been reported in the literature in individuals affected with SPEG-related conditions. This variant is present in population databases (no rsID available, gnomAD 0.02%). This sequence change replaces serine, which is neutral and polar, with cysteine, which is neutral and slightly polar, at codon 2527 of the SPEG protein (p.Ser2527Cys).